The following is an entry in ClinVar:

ClinVar aggregate classification (germline): Uncertain significance (1 of 4 stars; one submission).

gnomAD v4.1: 3 of 1,614,116 alleles (0.00019%); highest among the groups gnomAD compares: Non-Finnish European, 0.00025%; no homozygotes.

Submission:

Ambry Genetics
Classification: Uncertain significance. Last evaluated: 2024-07-31. Review status: criteria provided, single submitter. Criteria: Ambry Variant Classification Scheme 2023. Collection method: clinical testing. Allele origin: germline.
Comment: The p.M601T variant (also known as c.1802T>C), located in coding exon 9 of the PALLD gene, results from a T to C substitution at nucleotide position 1802. The methionine at codon 601 is replaced by threonine, an amino acid with similar properties. This amino acid position is conserved. In addition, this alteration is predicted to be tolerated by in silico analysis. Based on the available evidence, the clinical significance of this variant remains unclear.

NM_001166108.2(PALLD):c.1802T>C (p.Met601Thr)

Gene: PALLD (palladin, cytoskeletal associated protein; plus strand). Cytogenetic location: 4q32.3.
Variant type: single nucleotide variant.
Coding change: c.1802T>C on transcript NM_001166108.2 (MANE Select); coding-DNA position 1802, T replaced by C.
Protein change: p.Met601Thr; replaces methionine 601 with threonine.
Molecular consequence: missense variant.
Genome position (GRCh38, 1-based): chr4:168,711,761, T>C. VCF-style: chr4-168711761-T-C. GRCh37 (hg19) VCF-style: chr4-169632912-T-C.
Other names: c.656T>C, p.Met219Thr (NM_001166109.2); c.1802T>C, p.Met601Thr (NM_016081.4); short protein forms M601T, M219T.
Identifiers: ClinVar variation 3413550 (VCV003413550.1).